The following is an entry in ClinVar:

ClinVar aggregate classification (germline): Conflicting classifications of pathogenicity. Review status: criteria provided, conflicting classifications (1 of 4 stars). 5 submissions from 5 submitters: Uncertain significance (3); Likely benign (1). 1 of the submissions does not count toward it. Last evaluated 2024-10-21.

Conditions:
Hereditary breast ovarian cancer syndrome. Also called: Hereditary breast and ovarian cancer syndrome; Hereditary breast and ovarian cancer; Hereditary breast and ovarian cancer syndrome (HBOC); Breast and ovarian cancer; Hereditary breast and/or ovarian cancer syndrome; BRCA1- and BRCA2-Associated Hereditary Breast and Ovarian Cancer. Identifiers: Orphanet 145, MedGen C0677776, MeSH D061325, MONDO:0003582. Disease mechanism: loss of function.
Breast-ovarian cancer, familial, susceptibility to, 2 (BROVCA2). Also called: BRCA2 Hereditary Breast and Ovarian Cancer. Identifiers: Orphanet 145, MedGen C2675520, MONDO:0012933, OMIM 612555. Disease mechanism: loss of function.
Hereditary cancer-predisposing syndrome. Also called: Neoplastic Syndromes, Hereditary; Tumor predisposition; Hereditary Cancer Syndrome; Hereditary neoplastic syndrome. Identifiers: Orphanet 140162, MedGen C0027672, MeSH D009386, MONDO:0015356.

gnomAD v4.1: 1 of 1,596,208 alleles (0.000063%); highest among the groups gnomAD compares: Non-Finnish European, 0.000085%; no homozygotes.

Submissions (5):

Labcorp Genetics (formerly Invitae), Labcorp
Classification: Uncertain significance for Hereditary breast ovarian cancer syndrome. Last evaluated: 2024-10-21. Review status: criteria provided, single submitter. Criteria: Invitae Variant Classification Sherloc (09022015). Collection method: clinical testing. Allele origin: germline.
Comment: This sequence change replaces alanine, which is neutral and non-polar, with proline, which is neutral and non-polar, at codon 518 of the BRCA2 protein (p.Ala518Pro). This variant is not present in population databases (gnomAD no frequency). This variant has not been reported in the literature in individuals affected with BRCA2-related conditions. ClinVar contains an entry for this variant (Variation ID: 51142). Invitae Evidence Modeling of protein sequence and biophysical properties (such as structural, functional, and spatial information, amino acid conservation, physicochemical variation, residue mobility, and thermodynamic stability) indicates that this missense variant is not expected to disrupt BRCA2 protein function with a negative predictive value of 95%. In summary, the available evidence is currently insufficient to determine the role of this variant in disease. Therefore, it has been classified as a Variant of Uncertain Significance.

University of Washington Department of Laboratory Medicine, University of Washington
Classification: Likely benign for Hereditary cancer-predisposing syndrome. Last evaluated: 2023-03-23. Review status: criteria provided, single submitter. Criteria: Dines et al. (Genet Med. 2020). Collection method: curation. Allele origin: germline.
Comment: Missense variant in a coldspot region where missense variants are very unlikely to be pathogenic (PMID:31911673).

BRCA2 exon 10 coldspot. Reclassification based on statistical prior probability.

Ambry Genetics
Classification: Uncertain significance for Hereditary cancer-predisposing syndrome. Last evaluated: 2022-03-28. Review status: criteria provided, single submitter. Criteria: Ambry Variant Classification Scheme 2023. Collection method: clinical testing. Allele origin: germline.
Comment: The p.A518P variant (also known as c.1552G>C), located in coding exon 9 of the BRCA2 gene, results from a G to C substitution at nucleotide position 1552. The alanine at codon 518 is replaced by proline, an amino acid with highly similar properties. This amino acid position is not well conserved in available vertebrate species. In addition, this alteration is predicted to be tolerated by in silico analysis. Since supporting evidence is limited at this time, the clinical significance of this alteration remains unclear.

GeneDx
Classification: Uncertain significance. Last evaluated: 2015-09-09. Review status: criteria provided, single submitter. Criteria: GeneDx Variant Classification (06012015). Collection method: clinical testing. Allele origin: germline. Affected: yes.
Comment: This variant is denoted BRCA2 c.1552G>C at the cDNA level, p.Ala518Pro (A518P) at the protein level, and results in the change of an Alanine to a Proline (GCA>CCA). Using alternate nomenclature, this variant would be defined as BRCA2 1780G>C. This variant has not, to our knowledge, been published in the literature as pathogenic or benign. BRCA2 Ala518Pro was not observed in approximately 6,500 individuals of European and African American ancestry in the NHLBI Exome Sequencing Project, indicating it is not a common benign variant in these populations. Since Alanine and Proline differ in some properties, this is considered a semi-conservative amino acid substitution. BRCA2 Ala518Pro occurs at a position that is not conserved and is not located in a known functional domain (UniProt). In silico analyses predict that this variant is unlikely to alter protein structure or function. Based on currently available information, it is unclear whether BRCA2 Ala518Pro is pathogenic or benign. We consider it to be a variant of uncertain significance.

Breast Cancer Information Core (BIC) (BRCA2)
Classification: Uncertain significance for Breast-ovarian cancer, familial 2. Last evaluated: 2002-06-20. Review status: no assertion criteria provided. Collection method: clinical testing. Allele origin: germline. Affected: yes. Observed: 1 variant allele. Not counted in ClinVar's aggregate classification.

NM_000059.4(BRCA2):c.1552G>C (p.Ala518Pro)

Gene: BRCA2 (BRCA2 DNA repair associated; plus strand). Cytogenetic location: 13q13.1.
Variant type: single nucleotide variant.
Coding change: c.1552G>C on transcript NM_000059.4 (MANE Select); coding-DNA position 1552, G replaced by C.
Protein change: p.Ala518Pro; replaces alanine 518 with proline.
Molecular consequence: missense variant.
Genome position (GRCh38, 1-based): chr13:32,333,030, G>C. VCF-style: chr13-32333030-G-C. GRCh37 (hg19) VCF-style: chr13-32907167-G-C.
Other names: short protein forms A518P.
Identifiers: ClinVar variation 51142 (VCV000051142.12), dbSNP rs80358440, ClinGen allele CA012397.
Genomic context (GRCh38, chr13:32,333,030, plus strand): 5'-TTTCAGGGTATCAAAAAGTCTATATTCAGAATAAGAGAATCACCTAAAGAGACTTTCAAT[G>C]CAAGTTTTTCAGGTCATATGACTGATCCAAACTTTAAAAAAGAAACTGAAGCCTCTGAAA-3'
Protein context (NP_000050.3, residues 508-528): IRESPKETFN[Ala518Pro]SFSGHMTDPN